The following is an entry in ClinVar:

ClinVar aggregate classification (germline): Uncertain significance (1 of 4 stars; one submission).

Submission:

Labcorp Genetics (formerly Invitae), Labcorp
Classification: Uncertain significance. Last evaluated: 2024-07-16. Review status: criteria provided, single submitter. Criteria: Invitae Variant Classification Sherloc (09022015). Collection method: clinical testing. Allele origin: germline.
Comment: This sequence change replaces glycine, which is neutral and non-polar, with glutamic acid, which is acidic and polar, at codon 91 of the TNNI3K protein (p.Gly91Glu). This variant is not present in population databases (gnomAD no frequency). This variant has not been reported in the literature in individuals affected with TNNI3K-related conditions. Advanced modeling of protein sequence and biophysical properties (such as structural, functional, and spatial information, amino acid conservation, physicochemical variation, residue mobility, and thermodynamic stability) performed at Invitae indicates that this missense variant is not expected to disrupt TNNI3K protein function with a negative predictive value of 80%. In summary, the available evidence is currently insufficient to determine the role of this variant in disease. Therefore, it has been classified as a Variant of Uncertain Significance.

NM_015978.3(TNNI3K):c.272G>A (p.Gly91Glu)

Genes: FPGT-TNNI3K (FPGT-TNNI3K readthrough; plus strand), TNNI3K (TNNI3 interacting kinase; plus strand). Cytogenetic location: 1p31.1.
Variant type: single nucleotide variant.
Coding change: c.272G>A on transcript NM_015978.3 (MANE Select); coding-DNA position 272, G replaced by A.
Protein change: p.Gly91Glu; replaces glycine 91 with glutamic acid.
Molecular consequence: missense variant.
Genome position (GRCh38, 1-based): chr1:74,250,708, G>A. VCF-style: chr1-74250708-G-A. GRCh37 (hg19) VCF-style: chr1-74716392-G-A.
Other names: c.575G>A, p.Gly192Glu (NM_001112808.3, NM_001199327.2); short protein forms G91E, G192E.
Identifiers: ClinVar variation 3668462 (VCV003668462.2).